The following is an entry in ClinVar:

ClinVar aggregate classification (germline): Uncertain significance (1 of 4 stars; one submission).

Conditions:
PKHD1-related disorder. Also called: PKHD1-related condition.

gnomAD v4.1: 1 of 1,613,490 alleles (0.000062%); highest among the groups gnomAD compares: Admixed American, 0.0017%; no homozygotes.

Submission:

PreventionGenetics, part of Exact Sciences
Classification: Uncertain significance for PKHD1-related condition. Last evaluated: 2025-11-19. Review status: criteria provided, single submitter. Criteria: ACMG Guidelines, 2015. Collection method: clinical testing. Allele origin: germline.
Comment: The PKHD1 c.7624T>A variant is predicted to result in the amino acid substitution p.Ser2542Thr. To our knowledge, this variant has not been reported in the literature. This variant is reported in 0.12% of alleles in individuals of Latino descent in gnomAD. Although we suspect that this variant may be benign, at this time, the clinical significance of this variant is uncertain due to the absence of conclusive functional and genetic evidence.

NM_138694.4(PKHD1):c.7624T>A (p.Ser2542Thr)

Gene: PKHD1 (PKHD1 ciliary IPT domain containing fibrocystin/polyductin; minus strand). Cytogenetic location: 6p12.2.
Variant type: single nucleotide variant.
Coding change: c.7624T>A on transcript NM_138694.4 (MANE Select); coding-DNA position 7624, T replaced by A.
Protein change: p.Ser2542Thr; replaces serine 2542 with threonine.
Molecular consequence: missense variant.
Genome position (GRCh38, 1-based): chr6:51,867,972, A>T on the plus strand (T>A on the coding strand, the complement: PKHD1 is on the minus strand). VCF-style: chr6-51867972-A-T. GRCh37 (hg19) VCF-style: chr6-51732770-A-T.
Other names: c.7624T>A, p.Ser2542Thr (NM_170724.3); short protein forms S2542T.
Identifiers: ClinVar variation 4994499 (VCV004994499.1).